The following is an entry in ClinVar:

NM_000321.3(RB1):c.1123G>C (p.Val375Leu)

Gene: RB1 (RB transcriptional corepressor 1; plus strand). Cytogenetic location: 13q14.2.
Variant type: single nucleotide variant.
Coding change: c.1123G>C on transcript NM_000321.3 (MANE Select); coding-DNA position 1123, G replaced by C.
Protein change: p.Val375Leu; replaces valine 375 with leucine.
Molecular consequence: missense variant.
Genome position (GRCh38, 1-based): chr13:48,368,600, G>C. VCF-style: chr13-48368600-G-C. GRCh37 (hg19) VCF-style: chr13-48942736-G-C.
Other names: short protein forms V375L.
Identifiers: ClinVar variation 1025503 (VCV001025503.13), dbSNP rs1952727557, ClinGen allele CA388161373.

ClinVar aggregate classification (germline): Uncertain significance. Review status: criteria provided, multiple submitters, no conflicts (2 of 4 stars). 3 submissions from 3 submitters: Uncertain significance (3). Last evaluated 2025-02-27.

Conditions:
Hereditary cancer-predisposing syndrome. Also called: Neoplastic Syndromes, Hereditary; Tumor predisposition; Hereditary Cancer Syndrome; Hereditary neoplastic syndrome. Identifiers: Orphanet 140162, MedGen C0027672, MeSH D009386, MONDO:0015356.
Malignant tumor of urinary bladder. Also called: Urinary bladder cancer; Urinary Bladder Neoplasms; Bladder cancer. Identifiers: MedGen C0005684, MONDO:0001187, OMIM 109800.
Retinoblastoma (RB1). Also called: RETINOBLASTOMA, SOMATIC. Identifiers: Orphanet 790, MedGen C0035335, MeSH D012175, MONDO:0008380, OMIM 180200, HP:0009919. Disease mechanism: loss of function. Inheritance: Both sporadic and heritable forms are tested..

Submissions (3):

Ambry Genetics
Classification: Uncertain significance for Hereditary cancer-predisposing syndrome. Last evaluated: 2025-02-27. Review status: criteria provided, single submitter. Criteria: Ambry Variant Classification Scheme 2023. Collection method: clinical testing. Allele origin: germline.
Comment: The p.V375L variant (also known as c.1123G>C), located in coding exon 11 of the RB1 gene, results from a G to C substitution at nucleotide position 1123. The valine at codon 375 is replaced by leucine, an amino acid with highly similar properties. This amino acid position is conserved. In addition, this alteration is predicted to be deleterious by in silico analysis. Since supporting evidence is limited at this time, the clinical significance of this alteration remains unclear.

Baylor Genetics
Classification: Uncertain significance for Malignant tumor of urinary bladder. Last evaluated: 2023-08-14. Review status: criteria provided, single submitter. Criteria: ACMG Guidelines, 2015. Collection method: clinical testing. Allele origin: unknown.

Labcorp Genetics (formerly Invitae), Labcorp
Classification: Uncertain significance for Retinoblastoma. Last evaluated: 2022-03-13. Review status: criteria provided, single submitter. Criteria: Invitae Variant Classification Sherloc (09022015). Collection method: clinical testing. Allele origin: germline.
Comment: In summary, the available evidence is currently insufficient to determine the role of this variant in disease. Therefore, it has been classified as a Variant of Uncertain Significance. Algorithms developed to predict the effect of missense changes on protein structure and function are either unavailable or do not agree on the potential impact of this missense change (SIFT: "Deleterious"; PolyPhen-2: "Probably Damaging"; Align-GVGD: "Class C0"). ClinVar contains an entry for this variant (Variation ID: 1025503). This variant has not been reported in the literature in individuals affected with RB1-related conditions. This variant is not present in population databases (gnomAD no frequency). This sequence change replaces valine, which is neutral and non-polar, with leucine, which is neutral and non-polar, at codon 375 of the RB1 protein (p.Val375Leu).